The following is an entry in ClinVar:

ClinVar aggregate classification (germline): Conflicting classifications of pathogenicity. Review status: criteria provided, conflicting classifications (1 of 4 stars). 3 submissions from 3 submitters: Uncertain significance (1); Benign (1). 1 of the submissions does not count toward it. Last evaluated 2025-02-28.

Conditions:
SETX-related disorder. Also called: SETX-related condition; SETX-related disorders. Identifiers: MedGen CN239403.
Inborn genetic diseases. Identifiers: MedGen C0950123, MeSH D030342.
Amyotrophic lateral sclerosis type 4 (ALS4). Also called: AMYOTROPHIC LATERAL SCLEROSIS 4, JUVENILE; NEURONOPATHY, DISTAL HEREDITARY MOTOR, WITH PYRAMIDAL FEATURES. Identifiers: Orphanet 357043, MedGen C1865409, MONDO:0011223, OMIM 602433.
Spinocerebellar ataxia, autosomal recessive, with axonal neuropathy 2 (SCAN2). Also called: Ataxia with Oculomotor Apraxia; ATAXIA-OCULOMOTOR APRAXIA 2; Ataxia with Oculomotor Apraxia Type 2; Ataxia-ocular apraxia-2. Identifiers: Orphanet 64753, MedGen C1853761, MONDO:0018996, OMIM 606002.

Allele frequency attached by ClinVar (database versions not stated): TOPMed 0.00007; ExAC 0.00008; gnomAD 0.00009; gnomAD exomes 0.00014; 1000 Genomes Project 30x 0.00016; 1000 Genomes Project 0.00020.
gnomAD v4.1: 212 of 1,614,148 alleles (0.013%); highest among the groups gnomAD compares: Non-Finnish European, 0.017%; 1 homozygote.

Submissions (3):

Ambry Genetics
Classification: Uncertain significance for Inborn genetic diseases. Last evaluated: 2025-02-28. Review status: criteria provided, single submitter. Criteria: Ambry Variant Classification Scheme 2023. Collection method: clinical testing. Allele origin: germline.
Comment: Unlikely to be causative of SETX-related juvenile amyotrophic lateral sclerosis (AD) Based on insufficient or conflicting evidence, the clinical significance of this alteration remains unclear.

Labcorp Genetics (formerly Invitae), Labcorp
Classification: Benign for Amyotrophic lateral sclerosis type 4; Spinocerebellar ataxia, autosomal recessive, with axonal neuropathy 2. Last evaluated: 2024-10-16. Review status: criteria provided, single submitter. Criteria: Invitae Variant Classification Sherloc (09022015). Collection method: clinical testing. Allele origin: germline.

PreventionGenetics, part of Exact Sciences
Classification: Uncertain significance for SETX-related condition. Last evaluated: 2024-05-08. Review status: no assertion criteria provided. Collection method: clinical testing. Allele origin: germline. Not counted in ClinVar's aggregate classification.
Comment: The SETX c.4991C>T variant is predicted to result in the amino acid substitution p.Pro1664Leu. To our knowledge, this variant has not been reported in the literature. This variant is reported in 0.012% of alleles in individuals of European (Non-Finnish) descent in gnomAD. At this time, the clinical significance of this variant is uncertain due to the absence of conclusive functional and genetic evidence.

NM_015046.7(SETX):c.4991C>T (p.Pro1664Leu)

Gene: SETX (senataxin; minus strand). Cytogenetic location: 9q34.13.
Variant type: single nucleotide variant.
Coding change: c.4991C>T on transcript NM_015046.7 (MANE Select); coding-DNA position 4991, C replaced by T.
Protein change: p.Pro1664Leu; replaces proline 1664 with leucine.
Molecular consequence: missense variant.
Genome position (GRCh38, 1-based): chr9:132,326,607, G>A on the plus strand (C>T on the coding strand, the complement: SETX is on the minus strand). VCF-style: chr9-132326607-G-A. GRCh37 (hg19) VCF-style: chr9-135201994-G-A.
Other names: c.4991C>T, p.Pro1664Leu (NM_001351527.2, NM_001351528.2); short protein forms P1664L.
Identifiers: ClinVar variation 1744603 (VCV001744603.8), dbSNP rs201128958, ClinGen allele CA5297095.